The following is an entry in ClinVar:

ClinVar aggregate classification (germline): Uncertain significance. Review status: criteria provided, multiple submitters, no conflicts (2 of 4 stars). 2 submissions from 2 submitters: Uncertain significance (2). Last evaluated 2024-11-27.

Conditions:
Hereditary pancreatitis (PCTT). Also called: Hereditary chronic pancreatitis; PRSS1-Related Hereditary Pancreatitis. Identifiers: Orphanet 676, MedGen C0238339, MONDO:0008185, OMIM 167800.

Allele frequency attached by ClinVar (database versions not stated): gnomAD exomes below 0.00001; TOPMed below 0.00001; 1000 Genomes Project 30x 0.00125.

Submissions (2):

Ambry Genetics
Classification: Uncertain significance for Hereditary pancreatitis. Last evaluated: 2024-11-27. Review status: criteria provided, single submitter. Criteria: Ambry Variant Classification Scheme 2023. Collection method: clinical testing. Allele origin: germline.
Comment: The p.N224K variant (also known as c.672C>G), located in coding exon 5 of the PRSS1 gene, results from a C to G substitution at nucleotide position 672. The asparagine at codon 224 is replaced by lysine, an amino acid with similar properties. This amino acid position is not well conserved in available vertebrate species. In addition, this alteration is predicted to be tolerated by in silico analysis. Since supporting evidence is limited at this time, the clinical significance of this alteration remains unclear.

Labcorp Genetics (formerly Invitae), Labcorp
Classification: Uncertain significance for Hereditary pancreatitis. Last evaluated: 2021-04-30. Review status: criteria provided, single submitter. Criteria: Invitae Variant Classification Sherloc (09022015). Collection method: clinical testing. Allele origin: germline.
Comment: In summary, the available evidence is currently insufficient to determine the role of this variant in disease. Therefore, it has been classified as a Variant of Uncertain Significance. Algorithms developed to predict the effect of missense changes on protein structure and function (SIFT, PolyPhen-2, Align-GVGD) all suggest that this variant is likely to be tolerated, but these predictions have not been confirmed by published functional studies and their clinical significance is uncertain. This variant has not been reported in the literature in individuals with PRSS1-related conditions. This variant is not present in population databases (ExAC no frequency). This sequence change replaces asparagine with lysine at codon 224 of the PRSS1 protein (p.Asn224Lys). The asparagine residue is weakly conserved and there is a moderate physicochemical difference between asparagine and lysine.

NM_002769.5(PRSS1):c.672C>G (p.Asn224Lys)

Genes: TRB (T cell receptor beta locus; plus strand), PRSS1 (serine protease 1; plus strand). Cytogenetic location: 7q34.
Variant type: single nucleotide variant.
Coding change: c.672C>G on transcript NM_002769.5 (MANE Select); coding-DNA position 672, C replaced by G.
Protein change: p.Asn224Lys; replaces asparagine 224 with lysine.
Molecular consequence: missense variant.
Genome position (GRCh38, 1-based): chr7:142,752,948, C>G. VCF-style: chr7-142752948-C-G. GRCh37 (hg19) VCF-style: chr7-142460799-C-G.
Other names: c.672C>G (NM_002769.4); short protein forms N224K.
Identifiers: ClinVar variation 1487114 (VCV001487114.10), dbSNP rs1184689147, ClinGen allele CA369610816.